The following is an entry in ClinVar:

ClinVar aggregate classification (germline): Conflicting classifications of pathogenicity. Review status: criteria provided, conflicting classifications (1 of 4 stars). 2 submissions from 2 submitters: Likely pathogenic (1); Uncertain significance (1). Last evaluated 2026-03-31.

Submissions (2):

GeneDx
Classification: Likely pathogenic. Last evaluated: 2026-03-31. Review status: criteria provided, single submitter. Criteria: GeneDx Variant Classification Process June 2021. Collection method: clinical testing. Allele origin: germline.
Comment: In silico analysis supports that this missense variant has a deleterious effect on protein structure/function; Not observed at significant frequency in large population cohorts (gnomAD); This variant is associated with the following publications: (PMID: 36066546)

Blueprint Genetics
Classification: Uncertain significance. Last evaluated: 2019-11-19. Review status: criteria provided, single submitter. Criteria: ACMG Guidelines, 2015. Collection method: clinical testing. Allele origin: germline.

NM_016032.4(ZDHHC9):c.451C>T (p.Arg151Trp)

Gene: ZDHHC9 (zDHHC palmitoyltransferase 9; minus strand). Cytogenetic location: Xq26.1.
Variant type: single nucleotide variant.
Coding change: c.451C>T on transcript NM_016032.4 (MANE Select); coding-DNA position 451, C replaced by T.
Protein change: p.Arg151Trp; replaces arginine 151 with tryptophan.
Molecular consequence: missense variant.
Genome position (GRCh38, 1-based): chrX:129,823,715, G>A on the plus strand (C>T on the coding strand, the complement: ZDHHC9 is on the minus strand). VCF-style: chrX-129823715-G-A. GRCh37 (hg19) VCF-style: chrX-128957691-G-A.
Other names: c.451C>T, p.Arg151Trp (NM_001008222.3); c.451C>T (NM_016032.2); short protein forms R151W.
Identifiers: ClinVar variation 4952780 (VCV004952780.2).